The following is an entry in ClinVar:

ClinVar aggregate classification (germline): Conflicting classifications of pathogenicity. Review status: criteria provided, conflicting classifications (1 of 4 stars). 4 submissions from 4 submitters: Uncertain significance (3); Likely benign (1). Last evaluated 2025-10-28.

Conditions:
Finnish type amyloidosis. Also called: Lattice corneal dystrophy associated with familial systemic amyloidosis; Meretoja's syndrome; Lattice dystrophy of the cornea with hereditary generalized amyloidosis; AMYLOID CRANIAL NEUROPATHY WITH LATTICE CORNEAL DYSTROPHY; AMYLOIDOSIS DUE TO MUTANT GELSOLIN; Amyloidosis, familial, Finnish type. Identifiers: Orphanet 85448, MedGen C1622345, MONDO:0007097, OMIM 105120.

Submissions (4):

Labcorp Genetics (formerly Invitae), Labcorp
Classification: Uncertain significance. Last evaluated: 2025-10-28. Review status: criteria provided, single submitter. Criteria: Invitae Variant Classification Sherloc (09022015). Collection method: clinical testing. Allele origin: germline.
Comment: This variant, c.2155_2157del, results in the deletion of 1 amino acid(s) of the GSN protein (p.Glu719del), but otherwise preserves the integrity of the reading frame. This variant is present in population databases (rs751627510, gnomAD 0.05%), and has an allele count higher than expected for a pathogenic variant. This variant has not been reported in the literature in individuals affected with GSN-related conditions. Experimental studies and prediction algorithms are not available or were not evaluated, and the functional significance of this variant is currently unknown. In summary, the available evidence is currently insufficient to determine the role of this variant in disease. Therefore, it has been classified as a Variant of Uncertain Significance.

Mayo Clinic Laboratories, Mayo Clinic
Classification: Uncertain significance. Last evaluated: 2024-06-12. Review status: criteria provided, single submitter. Criteria: ACMG Guidelines, 2015. Collection method: clinical testing. Allele origin: germline. Observed: 1 variant allele.
Comment: BS2

Fulgent Genetics
Classification: Likely benign for Finnish type amyloidosis. Last evaluated: 2024-04-19. Review status: criteria provided, single submitter. Criteria: ACMG Guidelines, 2015. Collection method: clinical testing. Allele origin: germline.

Breakthrough Genomics
Classification: Uncertain significance. Review status: criteria provided, single submitter. Criteria: ACMG Guidelines, 2015. Collection method: not provided. Allele origin: germline. Inheritance: Autosomal dominant inheritance. Affected: yes.

NM_198252.3(GSN):c.1996GAA[2] (p.Glu668del)

Gene: GSN (gelsolin; plus strand). Cytogenetic location: 9q33.2.
Variant type: Microsatellite.
Coding change: c.1996GAA[2] on transcript NM_198252.3 (MANE Select); two copies in a row of the 3-base unit GAA starting at c.1996; the reference has three copies in a row; one copy, 3 bases deleted.
Protein change: p.Glu668del; deletes glutamic acid 668.
Molecular consequence: inframe deletion.
Genome position (GRCh38, 1-based): chr9:121,331,424-121,331,426, GAA deleted; deleting any 3 consecutive bases within chr9:121,331,416-121,331,426 gives the same sequence; the position shown is the placement nearest the transcript's 3' end. VCF-style (leftmost placement, unchanged base first): chr9-121331415-CAAG-C. GRCh37 (hg19) VCF-style: chr9-124093693-CAAG-C.
Other names: p.Glu719del; c.2149GAA[2], p.Glu719del (NM_000177.5); c.1996GAA[2], p.Glu668del (NM_001127662.2, NM_001127664.2, NM_001127665.2 and 10 more transcripts); c.2104GAA[2], p.Glu704del (NM_001127663.2); c.2029GAA[2], p.Glu679del (NM_001127666.2, NM_001127667.2, NM_001353063.2 and 13 more transcripts); c.2047GAA[2], p.Glu685del (NM_001258029.2); c.2020GAA[2], p.Glu676del (NM_001258030.2); c.2068GAA[2], p.Glu692del (NM_001353076.2); and 2 more; short protein forms E679del, E692del, E704del, E450del, E676del, E668del, E685del, E719del.
Identifiers: ClinVar variation 1491015 (VCV001491015.9), dbSNP rs751627510, ClinGen allele CA5221490.